The following is an entry in ClinVar:

ClinVar aggregate classification (germline): Uncertain significance. Review status: criteria provided, multiple submitters, no conflicts (2 of 4 stars). 3 submissions from 3 submitters: Uncertain significance (3). Last evaluated 2022-12-19.

Conditions:
Hyperaldosteronism, familial, type IV (HALD4). Also called: FH IV; ALDOSTERONISM, PRIMARY, AND HYPERTENSION. Identifiers: Orphanet 642671, MedGen C4310756, MONDO:0014875, OMIM 617027.
Idiopathic generalized epilepsy. Also called: Generalised epilepsy; EIG. Identifiers: MedGen C0270850, MONDO:0005579, OMIM 600669.
Inborn genetic diseases. Identifiers: MedGen C0950123, MeSH D030342.
Epilepsy, childhood absence, susceptibility to, 6. Identifiers: Orphanet 64280, MedGen C2749872, MONDO:0012763, OMIM 611942.

Allele frequency attached by ClinVar (database versions not stated): gnomAD 0.00001 and 0.00002; TOPMed 0.00001; gnomAD exomes 0.00002.

Submissions (3):

Ambry Genetics
Classification: Uncertain significance for Inborn genetic diseases. Last evaluated: 2022-12-19. Review status: criteria provided, single submitter. Criteria: Ambry Variant Classification Scheme 2023. Collection method: clinical testing. Allele origin: germline.

Labcorp Genetics (formerly Invitae), Labcorp
Classification: Uncertain significance for Idiopathic generalized epilepsy; Hyperaldosteronism, familial, type IV. Last evaluated: 2020-02-17. Review status: criteria provided, single submitter. Criteria: Invitae Variant Classification Sherloc (09022015). Collection method: clinical testing. Allele origin: germline.
Comment: This sequence change replaces glutamic acid with glutamine at codon 718 of the CACNA1H protein (p.Glu718Gln). The glutamic acid residue is moderately conserved and there is a small physicochemical difference between glutamic acid and glutamine. This variant is not present in population databases (ExAC no frequency). This variant has not been reported in the literature in individuals with CACNA1H-related conditions. Algorithms developed to predict the effect of missense changes on protein structure and function are either unavailable or do not agree on the potential impact of this missense change (SIFT: "Deleterious"; PolyPhen-2: "Possibly Damaging"; Align-GVGD: "Class C0"). In summary, the available evidence is currently insufficient to determine the role of this variant in disease. Therefore, it has been classified as a Variant of Uncertain Significance.

Baylor Genetics
Classification: Uncertain significance for Epilepsy, childhood absence, susceptibility to, 6. Last evaluated: 2018-02-07. Review status: criteria provided, single submitter. Criteria: ACMG Guidelines, 2015. Collection method: clinical testing. Allele origin: unknown. Affected: yes.
Comment: This variant was determined to be of uncertain significance according to ACMG Guidelines, 2015 [PMID:25741868].

NM_021098.3(CACNA1H):c.2152G>C (p.Glu718Gln)

Gene: CACNA1H (calcium voltage-gated channel subunit alpha1 H; plus strand). Cytogenetic location: 16p13.3.
Variant type: single nucleotide variant.
Coding change: c.2152G>C on transcript NM_021098.3 (MANE Select); coding-DNA position 2152, G replaced by C.
Protein change: p.Glu718Gln; replaces glutamic acid 718 with glutamine.
Molecular consequence: missense variant.
Genome position (GRCh38, 1-based): chr16:1,204,159, G>C. VCF-style: chr16-1204159-G-C. GRCh37 (hg19) VCF-style: chr16-1254159-G-C.
Other names: c.2152G>C, p.Glu718Gln (NM_001005407.2); short protein forms E718Q.
Identifiers: ClinVar variation 838806 (VCV000838806.11), dbSNP rs774313309, ClinGen allele CA276655314.